The following is an entry in ClinVar:

ClinVar aggregate classification (germline): Uncertain significance. Review status: criteria provided, multiple submitters, no conflicts (2 of 4 stars). 2 submissions from 2 submitters: Uncertain significance (2). Last evaluated 2024-10-15.

Allele frequency attached by ClinVar (database versions not stated): gnomAD exomes below 0.00001; TOPMed 0.00003; ESP Exome Variant Server 0.00008.
gnomAD v4.1: 4 of 1,613,770 alleles (0.00025%); highest among the groups gnomAD compares: African/African-American, 0.0053%; no homozygotes.

Submissions (2):

Labcorp Genetics (formerly Invitae), Labcorp
Classification: Uncertain significance. Last evaluated: 2024-10-15. Review status: criteria provided, single submitter. Criteria: Invitae Variant Classification Sherloc (09022015). Collection method: clinical testing. Allele origin: germline.
Comment: This sequence change replaces isoleucine, which is neutral and non-polar, with methionine, which is neutral and non-polar, at codon 1490 of the MYO7A protein (p.Ile1490Met). This variant is present in population databases (rs377738293, gnomAD 0.007%). This variant has not been reported in the literature in individuals affected with MYO7A-related conditions. ClinVar contains an entry for this variant (Variation ID: 936119). Invitae Evidence Modeling of protein sequence and biophysical properties (such as structural, functional, and spatial information, amino acid conservation, physicochemical variation, residue mobility, and thermodynamic stability) has been performed for this missense variant. However, the output from this modeling did not meet the statistical confidence thresholds required to predict the impact of this variant on MYO7A protein function. In summary, the available evidence is currently insufficient to determine the role of this variant in disease. Therefore, it has been classified as a Variant of Uncertain Significance.

GeneDx
Classification: Uncertain significance. Last evaluated: 2023-02-06. Review status: criteria provided, single submitter. Criteria: GeneDx Variant Classification Process June 2021. Collection method: clinical testing. Allele origin: germline. Affected: yes.
Comment: Not observed at significant frequency in large population cohorts (gnomAD); In silico analysis supports that this missense variant has a deleterious effect on protein structure/function; Has not been previously published as pathogenic or benign to our knowledge

NM_000260.4(MYO7A):c.4470C>G (p.Ile1490Met)

Gene: MYO7A (myosin VIIA; plus strand). Cytogenetic location: 11q13.5.
Variant type: single nucleotide variant.
Coding change: c.4470C>G on transcript NM_000260.4 (MANE Select); coding-DNA position 4470, C replaced by G.
Protein change: p.Ile1490Met; replaces isoleucine 1490 with methionine.
Molecular consequence: missense variant.
Genome position (GRCh38, 1-based): chr11:77,198,523, C>G. VCF-style: chr11-77198523-C-G. GRCh37 (hg19) VCF-style: chr11-76909568-C-G.
Other names: c.4470C>G, p.Ile1490Met (NM_001127180.2); c.4437C>G, p.Ile1479Met (NM_001369365.1); short protein forms I1479M, I1490M.
Identifiers: ClinVar variation 936119 (VCV000936119.9), dbSNP rs377738293, ClinGen allele CA224848760.